The following is an entry in ClinVar:

NM_016263.4(FZR1):c.660G>A (p.Thr220=)

Gene: FZR1 (fizzy and cell division cycle 20 related 1; plus strand). Cytogenetic location: 19p13.3.
Variant type: single nucleotide variant.
Coding change: c.660G>A on transcript NM_016263.4 (MANE Select); coding-DNA position 660, G replaced by A.
Protein change: p.Thr220=; no amino-acid change (threonine 220 retained).
Molecular consequence: synonymous variant.
Genome position (GRCh38, 1-based): chr19:3,530,797, G>A. VCF-style: chr19-3530797-G-A. GRCh37 (hg19) VCF-style: chr19-3530795-G-A.
Other names: c.393G>A, p.Thr131= (NM_001136197.1); c.660G>A, p.Thr220= (NM_001136198.1).
Identifiers: ClinVar variation 3905518 (VCV003905518.10).

ClinVar aggregate classification (germline): Likely benign (1 of 4 stars; one submission).

gnomAD v4.1: 30 of 1,612,728 alleles (0.0019%); highest among the groups gnomAD compares: East Asian, 0.02%; no homozygotes.

Submission:

CeGaT Center for Human Genetics Tuebingen
Classification: Likely benign. Last evaluated: 2025-06-01. Review status: criteria provided, single submitter. Criteria: CeGaT Center For Human Genetics Tuebingen Variant Classification Criteria Version 2. Collection method: clinical testing. Allele origin: germline. Affected: yes. Observed: 1 variant allele.
Comment: FZR1: BP4, BP7